The following is an entry in ClinVar:

NM_000238.4(KCNH2):c.211G>A (p.Gly71Arg)

Gene: KCNH2 (potassium voltage-gated channel subfamily H member 2; minus strand). Cytogenetic location: 7q36.1.
Variant type: single nucleotide variant.
Coding change: c.211G>A on transcript NM_000238.4 (MANE Select); coding-DNA position 211, G replaced by A.
Protein change: p.Gly71Arg; replaces glycine 71 with arginine.
Molecular consequence: missense variant.
Genome position (GRCh38, 1-based): chr7:150,974,807, C>T on the plus strand (G>A on the coding strand, the complement: KCNH2 is on the minus strand). VCF-style: chr7-150974807-C-T. GRCh37 (hg19) VCF-style: chr7-150671895-C-T.
Other names: c.34G>A, p.Gly12Arg (NM_001406755.1); c.211G>A, p.Gly71Arg (NM_172056.3); short protein forms G71R, G12R.
Identifiers: ClinVar variation 948713 (VCV000948713.3), dbSNP rs199473420, ClinGen allele CA369865597.

ClinVar aggregate classification (germline): Uncertain significance (1 of 4 stars; one submission).

Conditions:
Long QT syndrome (LQTS). Identifiers: MedGen C0023976, MeSH D008133, MONDO:0002442. Disease mechanism: loss of function. Inheritance: Various modes of inheritance.

Submission:

Labcorp Genetics (formerly Invitae), Labcorp
Classification: Uncertain significance for Long QT syndrome. Last evaluated: 2019-09-30. Review status: criteria provided, single submitter. Criteria: Invitae Variant Classification Sherloc (09022015). Collection method: clinical testing. Allele origin: germline.
Comment: This sequence change replaces glycine with arginine at codon 71 of the KCNH2 protein (p.Gly71Arg). The glycine residue is weakly conserved and there is a moderate physicochemical difference between glycine and arginine. This variant is not present in population databases (ExAC no frequency). This variant has been observed in individuals affected with long QT syndrome (PMID: 23631430, 27379800, 16414944). However, in one of these individuals pathogenic allele[s] were also identified in KCNQ1, which suggests that this c.211G>A variant may not be the primary cause of disease. This variant has been reported to affect KCNH2 protein function (PMID: 25417810). Algorithms developed to predict the effect of sequence changes on RNA splicing suggest that this variant may create or strengthen a splice site, but this prediction has not been confirmed by published transcriptional studies. This variant disrupts the p.Gly71 amino acid residue in KCNH2. Other variant(s) that disrupt this residue have been observed in individuals with KCNH2-related conditions (PMID: 26496715), which suggests that this may be a clinically significant amino acid residue. In summary, the available evidence is currently insufficient to determine the role of this variant in disease. Therefore, it has been classified as a Variant of Uncertain Significance.

Literature cited by the submitters: PubMed 26496715; PubMed 23631430; PubMed 25417810; PubMed 27379800; PubMed 16414944.